The following is an entry in ClinVar:

NM_001013742.4(DGKK):c.306C>T (p.Ala102=)

Gene: DGKK (diacylglycerol kinase kappa; minus strand). Cytogenetic location: Xp11.22.
Variant type: single nucleotide variant.
Coding change: c.306C>T on transcript NM_001013742.4 (MANE Select); coding-DNA position 306, C replaced by T.
Protein change: p.Ala102=; no amino-acid change (alanine 102 retained).
Molecular consequence: synonymous variant.
Genome position (GRCh38, 1-based): chrX:50,470,373, G>A on the plus strand (C>T on the coding strand, the complement: DGKK is on the minus strand). VCF-style: chrX-50470373-G-A. GRCh37 (hg19) VCF-style: chrX-50213372-G-A.
Identifiers: ClinVar variation 3025944 (VCV003025944.22), dbSNP rs2519165118, ClinGen allele CA516680213.

ClinVar aggregate classification (germline): Likely benign (1 of 4 stars; one submission).

Submission:

CeGaT Center for Human Genetics Tuebingen
Classification: Likely benign. Last evaluated: 2024-02-01. Review status: criteria provided, single submitter. Criteria: CeGaT Center For Human Genetics Tuebingen Variant Classification Criteria Version 2. Collection method: clinical testing. Allele origin: germline. Affected: yes. Observed: 1 variant allele.
Comment: DGKK: PM2:Supporting, BP4, BP7